The following is an entry in ClinVar:

NM_000424.4(KRT5):c.1118G>C (p.Gly373Ala)

Genes: KRT5 (keratin 5; minus strand), LOC126861525 (BRD4-independent group 4 enhancer GRCh37_chr12:52909857-52911056; plus strand). Cytogenetic location: 12q13.13.
Variant type: single nucleotide variant.
Coding change: c.1118G>C on transcript NM_000424.4 (MANE Select); coding-DNA position 1118, G replaced by C.
Protein change: p.Gly373Ala; replaces glycine 373 with alanine.
Molecular consequence: missense variant.
Genome position (GRCh38, 1-based): chr12:52,517,207, C>G on the plus strand (G>C on the coding strand, the complement: KRT5 is on the minus strand). VCF-style: chr12-52517207-C-G. GRCh37 (hg19) VCF-style: chr12-52910991-C-G.
Other names: short protein forms G373A.
Identifiers: ClinVar variation 309562 (VCV000309562.6), dbSNP rs561738497, ClinGen allele CA6582625.

ClinVar aggregate classification (germline): Uncertain significance. Review status: criteria provided, multiple submitters, no conflicts (2 of 4 stars). 2 submissions from 2 submitters: Uncertain significance (2). Last evaluated 2025-09-25.

Conditions:
Epidermolysis bullosa simplex. Also called: Epidermolysis bullosa simplex, Weber-Cockayne type (subtype); Epidermolysis bullosa simplex, Dowling-Meara type (subtype); Epidermolysis bullosa simplex with mottled pigmentation (subtype). Identifiers: Orphanet 304, MedGen C0079298, MONDO:0017610.

Allele frequency attached by ClinVar (database versions not stated): ExAC 0.00005; gnomAD exomes 0.00006; gnomAD 0.00010; 1000 Genomes Project 30x 0.00016; 1000 Genomes Project 0.00020; TOPMed 0.00023.
gnomAD v4.1: 90 of 1,613,994 alleles (0.0056%); highest among the groups gnomAD compares: Middle Eastern, 0.05%; no homozygotes.

Submissions (2):

Labcorp Genetics (formerly Invitae), Labcorp
Classification: Uncertain significance. Last evaluated: 2025-09-25. Review status: criteria provided, single submitter. Criteria: Invitae Variant Classification Sherloc (09022015). Collection method: clinical testing. Allele origin: germline.
Comment: This sequence change replaces glycine, which is neutral and non-polar, with alanine, which is neutral and non-polar, at codon 373 of the KRT5 protein (p.Gly373Ala). This variant is present in population databases (rs561738497, gnomAD 0.02%). This variant has not been reported in the literature in individuals affected with KRT5-related conditions. ClinVar contains an entry for this variant (Variation ID: 309562). Invitae Evidence Modeling of protein sequence and biophysical properties (such as structural, functional, and spatial information, amino acid conservation, physicochemical variation, residue mobility, and thermodynamic stability) indicates that this missense variant is not expected to disrupt KRT5 protein function with a negative predictive value of 95%. In summary, the available evidence is currently insufficient to determine the role of this variant in disease. Therefore, it has been classified as a Variant of Uncertain Significance.

Illumina Laboratory Services, Illumina
Classification: Uncertain significance for Epidermolysis bullosa simplex. Last evaluated: 2018-01-12. Review status: criteria provided, single submitter. Criteria: ICSL Variant Classification Criteria 13 December 2019. Collection method: clinical testing. Allele origin: germline.